The following is an entry in ClinVar:

ClinVar aggregate classification (germline): Uncertain significance (1 of 4 stars; one submission).

Conditions:
Emery-Dreifuss muscular dystrophy (EDMD). Also called: Scapuloperoneal syndrome, X-linked (formerly); Humeroperoneal neuromuscular disease, (formerly). Identifiers: Orphanet 261, MedGen C0410189, MONDO:0016830.

gnomAD v4.1: 3 of 1,614,026 alleles (0.00019%); highest among the groups gnomAD compares: Admixed American, 0.005%; no homozygotes.

Submission:

Labcorp Genetics (formerly Invitae), Labcorp
Classification: Uncertain significance for Emery-Dreifuss muscular dystrophy. Last evaluated: 2024-03-24. Review status: criteria provided, single submitter. Criteria: Invitae Variant Classification Sherloc (09022015). Collection method: clinical testing. Allele origin: germline.
Comment: This sequence change replaces arginine, which is basic and polar, with lysine, which is basic and polar, at codon 216 of the SUN1 protein (p.Arg216Lys). This variant is present in population databases (rs780828705, gnomAD 0.009%). This variant has not been reported in the literature in individuals affected with SUN1-related conditions. An algorithm developed to predict the effect of missense changes on protein structure and function (PolyPhen-2) suggests that this variant is likely to be disruptive. In summary, the available evidence is currently insufficient to determine the role of this variant in disease. Therefore, it has been classified as a Variant of Uncertain Significance.

NM_001130965.3(SUN1):c.647G>A (p.Arg216Lys)

Gene: SUN1 (Sad1 and UNC84 domain containing 1; plus strand). Cytogenetic location: 7p22.3.
Variant type: single nucleotide variant.
Coding change: c.647G>A on transcript NM_001130965.3 (MANE Select); coding-DNA position 647, G replaced by A.
Protein change: p.Arg216Lys; replaces arginine 216 with lysine.
Molecular consequence: missense variant. On other transcripts: 5 prime UTR variant (1), non-coding transcript variant (3), intron variant (1).
Genome position (GRCh38, 1-based): chr7:843,509, G>A. VCF-style: chr7-843509-G-A. GRCh37 (hg19) VCF-style: chr7-883146-G-A.
Other names: c.497G>A, p.Arg166Lys (NM_001367668.1, NM_001367670.1, NM_001367671.1 and 23 more transcripts); c.674G>A, p.Arg225Lys (NM_001367669.1); c.647G>A, p.Arg216Lys (NM_001367672.1, NM_001367674.1, NM_001367675.1 and 32 more transcripts); c.866G>A, p.Arg289Lys (NM_001367651.1); c.-115G>A (NM_001367658.1); c.458G>A, p.Arg153Lys (NM_001367695.1); c.80G>A, p.Arg27Lys (NM_001367708.1, NM_001367639.1); c.451+1379G>A (NM_001171944.2); and 2 more; short protein forms G64R, R153K, R166K, R237K, R225K, R289K, R216K, R27K.
Identifiers: ClinVar variation 3707508 (VCV003707508.2).